The following is an entry in ClinVar:

ClinVar aggregate classification (germline): Uncertain significance (1 of 4 stars; one submission).

Conditions:
Hyperkalemic periodic paralysis. Also called: Familial hyperkalemic periodic paralysis; Gamstorp disease. Identifiers: Orphanet 682, MedGen C0238357, MONDO:0008224, OMIM 170500, HP:0007215.

Submission:

Labcorp Genetics (formerly Invitae), Labcorp
Classification: Uncertain significance for Hyperkalemic periodic paralysis. Last evaluated: 2025-06-13. Review status: criteria provided, single submitter. Criteria: Invitae Variant Classification Sherloc (09022015). Collection method: clinical testing. Allele origin: germline.
Comment: This sequence change replaces proline, which is neutral and non-polar, with alanine, which is neutral and non-polar, at codon 1670 of the SCN4A protein (p.Pro1670Ala). This variant is not present in population databases (gnomAD no frequency). This variant has not been reported in the literature in individuals affected with SCN4A-related conditions. Invitae Evidence Modeling of protein sequence and biophysical properties (such as structural, functional, and spatial information, amino acid conservation, physicochemical variation, residue mobility, and thermodynamic stability) indicates that this missense variant is not expected to disrupt SCN4A protein function with a negative predictive value of 95%. In summary, the available evidence is currently insufficient to determine the role of this variant in disease. Therefore, it has been classified as a Variant of Uncertain Significance.

NM_000334.4(SCN4A):c.5008C>G (p.Pro1670Ala)

Genes: GH-LCR (growth hormone locus control region; plus strand), SCN4A (sodium voltage-gated channel alpha subunit 4; minus strand). Cytogenetic location: 17q23.3.
Variant type: single nucleotide variant.
Coding change: c.5008C>G on transcript NM_000334.4 (MANE Select); coding-DNA position 5008, C replaced by G.
Protein change: p.Pro1670Ala; replaces proline 1670 with alanine.
Molecular consequence: missense variant.
Genome position (GRCh38, 1-based): chr17:63,941,274, G>C on the plus strand (C>G on the coding strand, the complement: SCN4A is on the minus strand). VCF-style: chr17-63941274-G-C. GRCh37 (hg19) VCF-style: chr17-62018634-G-C.
Other names: short protein forms P1670A.
Identifiers: ClinVar variation 4748774 (VCV004748774.1).